The following is an entry in ClinVar:

ClinVar aggregate classification (germline): Uncertain significance (1 of 4 stars; one submission).

Conditions:
Hereditary spastic paraplegia 48. Also called: SPASTIC PARAPLEGIA 48, AUTOSOMAL RECESSIVE; Spastic paraplegia 48. Identifiers: Orphanet 306511, MedGen C3150901, MONDO:0013342, OMIM 613647.

Allele frequency attached by ClinVar (database versions not stated): TOPMed below 0.00001; ExAC 0.00001.

Submission:

Labcorp Genetics (formerly Invitae), Labcorp
Classification: Uncertain significance for Hereditary spastic paraplegia 48. Last evaluated: 2023-07-17. Review status: criteria provided, single submitter. Criteria: Invitae Variant Classification Sherloc (09022015). Collection method: clinical testing. Allele origin: germline.
Comment: This variant has not been reported in the literature in individuals affected with AP5Z1-related conditions. In summary, the available evidence is currently insufficient to determine the role of this variant in disease. Therefore, it has been classified as a Variant of Uncertain Significance. Advanced modeling of protein sequence and biophysical properties (such as structural, functional, and spatial information, amino acid conservation, physicochemical variation, residue mobility, and thermodynamic stability) performed at Invitae indicates that this missense variant is not expected to disrupt AP5Z1 protein function. ClinVar contains an entry for this variant (Variation ID: 1969557). This variant is present in population databases (rs775284953, gnomAD 0.007%). This sequence change replaces leucine, which is neutral and non-polar, with phenylalanine, which is neutral and non-polar, at codon 430 of the AP5Z1 protein (p.Leu430Phe).

NM_014855.3(AP5Z1):c.1290G>C (p.Leu430Phe)

Gene: AP5Z1 (adaptor related protein complex 5 subunit zeta 1; plus strand). Cytogenetic location: 7p22.1.
Variant type: single nucleotide variant.
Coding change: c.1290G>C on transcript NM_014855.3 (MANE Select); coding-DNA position 1290, G replaced by C.
Protein change: p.Leu430Phe; replaces leucine 430 with phenylalanine.
Molecular consequence: missense variant. On other transcripts: non-coding transcript variant (1).
Genome position (GRCh38, 1-based): chr7:4,786,407, G>C. VCF-style: chr7-4786407-G-C. GRCh37 (hg19) VCF-style: chr7-4826038-G-C.
Other names: c.822G>C, p.Leu274Phe (NM_001364858.1); short protein forms L274F, L430F.
Identifiers: ClinVar variation 1969557 (VCV001969557.5), dbSNP rs775284953, ClinGen allele CA4137712.